The following is an entry in ClinVar:

ClinVar aggregate classification (germline): Uncertain significance (1 of 4 stars; one submission).

Conditions:
Pityriasis rubra pilaris (PRP). Also called: Pityriasis rubra pilaris--familial type. Identifiers: Orphanet 2897, MedGen C0032027, MONDO:0100017, OMIM 173200, MONDO:0008251.
Psoriasis 2. Identifiers: MedGen C1864497, MONDO:0011269, OMIM 602723.

Allele frequency attached by ClinVar (database versions not stated): TOPMed below 0.00001; gnomAD 0.00001.
gnomAD v4.1: 1 of 1,612,822 alleles (0.000062%); highest among the groups gnomAD compares: Non-Finnish European, 0.000085%; no homozygotes.

Submission:

Labcorp Genetics (formerly Invitae), Labcorp
Classification: Uncertain significance for Pityriasis rubra pilaris; Psoriasis 2. Last evaluated: 2025-06-26. Review status: criteria provided, single submitter. Criteria: Invitae Variant Classification Sherloc (09022015). Collection method: clinical testing. Allele origin: germline.
Comment: This sequence change replaces serine, which is neutral and polar, with glycine, which is neutral and non-polar, at codon 480 of the CARD14 protein (p.Ser480Gly). This variant is not present in population databases (gnomAD no frequency). This variant has not been reported in the literature in individuals affected with CARD14-related conditions. ClinVar contains an entry for this variant (Variation ID: 2053246). Invitae Evidence Modeling of protein sequence and biophysical properties (such as structural, functional, and spatial information, amino acid conservation, physicochemical variation, residue mobility, and thermodynamic stability) indicates that this missense variant is not expected to disrupt CARD14 protein function with a negative predictive value of 95%. In summary, the available evidence is currently insufficient to determine the role of this variant in disease. Therefore, it has been classified as a Variant of Uncertain Significance.

NM_001366385.1(CARD14):c.1438A>G (p.Ser480Gly)

Gene: CARD14 (caspase recruitment domain family member 14; plus strand). Cytogenetic location: 17q25.3.
Variant type: single nucleotide variant.
Coding change: c.1438A>G on transcript NM_001366385.1 (MANE Select); coding-DNA position 1438, A replaced by G.
Protein change: p.Ser480Gly; replaces serine 480 with glycine.
Molecular consequence: missense variant. On other transcripts: non-coding transcript variant (1).
Genome position (GRCh38, 1-based): chr17:80,195,272, A>G. VCF-style: chr17-80195272-A-G. GRCh37 (hg19) VCF-style: chr17-78169071-A-G.
Other names: c.1438A>G, p.Ser480Gly (NM_001257970.1, NM_024110.4); c.727A>G, p.Ser243Gly (NM_052819.3); short protein forms S480G, S243G.
Identifiers: ClinVar variation 2053246 (VCV002053246.4), dbSNP rs763580623, ClinGen allele CA401349003.